The following is an entry in ClinVar:

ClinVar aggregate classification (germline): Uncertain significance (1 of 4 stars; one submission).

gnomAD v4.1: 24 of 1,612,390 alleles (0.0015%); highest among the groups gnomAD compares: Middle Eastern, 0.049%; no homozygotes.

Submission:

Labcorp Genetics (formerly Invitae), Labcorp
Classification: Uncertain significance. Last evaluated: 2024-11-04. Review status: criteria provided, single submitter. Criteria: Invitae Variant Classification Sherloc (09022015). Collection method: clinical testing. Allele origin: germline.
Comment: This sequence change replaces leucine, which is neutral and non-polar, with glutamine, which is neutral and polar, at codon 14 of the LAMB1 protein (p.Leu14Gln). This variant is present in population databases (rs758269987, gnomAD 0.003%). This variant has not been reported in the literature in individuals affected with LAMB1-related conditions. An algorithm developed to predict the effect of missense changes on protein structure and function (PolyPhen-2) suggests that this variant is likely to be disruptive. In summary, the available evidence is currently insufficient to determine the role of this variant in disease. Therefore, it has been classified as a Variant of Uncertain Significance.

NM_002291.3(LAMB1):c.41T>A (p.Leu14Gln)

Gene: LAMB1 (laminin subunit beta 1; minus strand). Cytogenetic location: 7q31.1.
Variant type: single nucleotide variant.
Coding change: c.41T>A on transcript NM_002291.3 (MANE Select); coding-DNA position 41, T replaced by A.
Protein change: p.Leu14Gln; replaces leucine 14 with glutamine.
Molecular consequence: missense variant.
Genome position (GRCh38, 1-based): chr7:108,001,730, A>T on the plus strand (T>A on the coding strand, the complement: LAMB1 is on the minus strand). VCF-style: chr7-108001730-A-T. GRCh37 (hg19) VCF-style: chr7-107642175-A-T.
Other names: short protein forms L14Q.
Identifiers: ClinVar variation 3710712 (VCV003710712.2).